The following is an entry in ClinVar:

NM_005422.4(TECTA):c.1115dup (p.Ser373fs)

Genes: TECTA (tectorin alpha; plus strand), TBCEL-TECTA (TBCEL-TECTA readthrough; plus strand). Cytogenetic location: 11q23.3.
Variant type: Duplication.
Coding change: c.1115dup on transcript NM_005422.4 (MANE Select); coding-DNA position 1115, one base duplicated (G; older notation c.1115dupG).
Protein change: p.Ser373fs; shifts the reading frame from serine 373.
Molecular consequence: frameshift variant.
Genome position (GRCh38, 1-based): chr11:121,118,630, G duplicated; the last of 2 consecutive G bases (chr11:121,118,629-121,118,630); duplicating either gives the same sequence. VCF-style (leftmost placement, unchanged base first): chr11-121118628-A-AG. GRCh37 (hg19) VCF-style: chr11-120989337-A-AG.
Other names: c.2072dup, p.Ser692fs (NM_001378761.1); c.1115dupG (NM_005422.4); short protein forms S373fs, S692fs.
Identifiers: ClinVar variation 1708127 (VCV001708127.2), dbSNP rs1380941851, ClinGen allele CA16609649.

ClinVar aggregate classification (germline): Pathogenic/Likely pathogenic. Review status: criteria provided, multiple submitters, no conflicts (2 of 4 stars). 2 submissions from 2 submitters: Pathogenic (1); Likely pathogenic (1). Last evaluated 2024-05-30.

Conditions:
TECTA-related disorder. Also called: TECTA-related condition.
Autosomal dominant nonsyndromic hearing loss 12. Also called: DEAFNESS, AUTOSOMAL DOMINANT 8. Identifiers: Orphanet 90635, MedGen C1832187, MONDO:0011102, OMIM 601543.

Submissions (2):

Blueprint Genetics
Classification: Likely pathogenic for TECTA-related disorders. Last evaluated: 2024-05-30. Review status: criteria provided, single submitter. Criteria: ACMG Guidelines, 2015. Collection method: clinical testing. Allele origin: germline. Affected: yes. Observed: 1 variant allele.

Laboratory of Medical Genetics, National & Kapodistrian University of Athens
Classification: Pathogenic for Autosomal dominant nonsyndromic hearing loss 12. Last evaluated: 2021-11-12. Review status: criteria provided, single submitter. Criteria: ACMG Guidelines, 2015. Collection method: clinical testing. Allele origin: germline. Affected: yes.
Comment: PVS1, PM2, PP3